The following is an entry in ClinVar:

ClinVar aggregate classification (germline): Uncertain significance. Review status: criteria provided, multiple submitters, no conflicts (2 of 4 stars). 4 submissions from 4 submitters: Uncertain significance (4). Last evaluated 2025-09-02.

Conditions:
Fanconi anemia (FA). Also called: Fanconi's anemia. Identifiers: Orphanet 84, MedGen C0015625, MeSH D005199, MONDO:0019391.
Inborn genetic diseases. Identifiers: MedGen C0950123, MeSH D030342.

gnomAD v4.1: 2 of 1,613,770 alleles (0.00012%); no homozygotes.

Submissions (4):

Labcorp Genetics (formerly Invitae), Labcorp
Classification: Uncertain significance for Fanconi anemia. Last evaluated: 2025-09-02. Review status: criteria provided, single submitter. Criteria: Invitae Variant Classification Sherloc (09022015). Collection method: clinical testing. Allele origin: germline.
Comment: This sequence change replaces lysine, which is basic and polar, with glutamic acid, which is acidic and polar, at codon 1013 of the FANCM protein (p.Lys1013Glu). This variant is not present in population databases (gnomAD no frequency). This variant has not been reported in the literature in individuals affected with FANCM-related conditions. ClinVar contains an entry for this variant (Variation ID: 1050915). An algorithm developed to predict the effect of missense changes on protein structure and function outputs the following: PolyPhen-2: "Benign". The glutamic acid amino acid residue is found in multiple mammalian species, which suggests that this missense change does not adversely affect protein function. In summary, the available evidence is currently insufficient to determine the role of this variant in disease. Therefore, it has been classified as a Variant of Uncertain Significance.

Ambry Genetics
Classification: Uncertain significance for Inborn genetic diseases. Last evaluated: 2024-12-22. Review status: criteria provided, single submitter. Criteria: Ambry Variant Classification Scheme 2023. Collection method: clinical testing. Allele origin: germline.
Comment: The p.K1013E variant (also known as c.3037A>G), located in coding exon 14 of the FANCM gene, results from an A to G substitution at nucleotide position 3037. The lysine at codon 1013 is replaced by glutamic acid, an amino acid with similar properties. This amino acid position is conserved. In addition, this alteration is predicted to be tolerated by in silico analysis. Based on the available evidence, the clinical significance of this variant remains unclear.

Quest Diagnostics Nichols Institute San Juan Capistrano
Classification: Uncertain significance. Last evaluated: 2024-08-13. Review status: criteria provided, single submitter. Criteria: Quest Diagnostics criteria. Collection method: clinical testing. Allele origin: unknown.
Comment: The FANCM c.3037A>G (p.Lys1013Glu) variant has not been reported in individuals with FANCM-related conditions in the published literature. It also has not been reported in large, multi-ethnic general populations (Genome Aggregation Database). Analysis of this variant using bioinformatics tools for the prediction of the effect of amino acid changes on protein structure and function yielded predictions that this variant is benign. Based on the available information, we are unable to determine the clinical significance of this variant.

Genetic Services Laboratory, University of Chicago
Classification: Uncertain significance. Last evaluated: 2021-04-08. Review status: criteria provided, single submitter. Criteria: ACMG Guidelines, 2015. Collection method: clinical testing. Allele origin: germline. Affected: no.
Comment: DNA sequence analysis of the FANCM gene demonstrated a sequence change, c.3037A>G, in exon 14 that results in an amino acid change, p.Lys1013Glu. This sequence change is absent from known population databases, The p.Lys1013Glu change affects a poorly conserved amino acid residue located in a domain of the FANCM protein that is not known to be functional. The p.Lys1013Glu substitution appears to be benign using several in-silico pathogenicity prediction tools (SIFT, PolyPhen2, Align GVGD, REVEL). This sequence change does not appear to have been previously described in patients with FANCM-related disorders. Due to the lack of sufficient evidences, the clinical significance of the p.Lys1013Glu change remains unknown at this time.

NM_020937.4(FANCM):c.3037A>G (p.Lys1013Glu)

Gene: FANCM (FA complementation group M; plus strand). Cytogenetic location: 14q21.2.
Variant type: single nucleotide variant.
Coding change: c.3037A>G on transcript NM_020937.4 (MANE Select); coding-DNA position 3037, A replaced by G.
Protein change: p.Lys1013Glu; replaces lysine 1013 with glutamic acid.
Molecular consequence: missense variant.
Genome position (GRCh38, 1-based): chr14:45,175,791, A>G. VCF-style: chr14-45175791-A-G. GRCh37 (hg19) VCF-style: chr14-45644994-A-G.
Other names: c.2959A>G, p.Lys987Glu (NM_001308133.2); c.3037A>G (NM_020937.2); short protein forms K1013E, K987E.
Identifiers: ClinVar variation 1050915 (VCV001050915.11), dbSNP rs1888643453, ClinGen allele CA389599729.